The following is an entry in ClinVar:

ClinVar aggregate classification (germline): Likely benign (1 of 4 stars; one submission).

Conditions:
Catecholaminergic polymorphic ventricular tachycardia (CVPT). Also called: Catecholamine-induced polymorphic ventricular tachycardia. Identifiers: Orphanet 3286, MedGen C5574922, MONDO:0017990.

Allele frequency attached by ClinVar (database versions not stated): ExAC 0.00001.
gnomAD v4.1: 3 of 1,534,418 alleles (0.0002%); highest among the groups gnomAD compares: South Asian, 0.0026%; no homozygotes.

Submission:

All of Us Research Program, National Institutes of Health
Classification: Likely benign for Catecholaminergic polymorphic ventricular tachycardia. Last evaluated: 2023-11-02. Review status: criteria provided, single submitter. Criteria: ACMG Guidelines, 2015. Collection method: clinical testing. Allele origin: germline. Inheritance: Autosomal dominant inheritance. Observed: 1 variant allele, 1 heterozygote.
Comment: This study involves interpretation of variants in research participants for the purpose of population health screening. Participant phenotype was not available at the time of variant classification. Additional details can be found in publication PMID: 35346344, PMCID: PMC8962531

NM_001035.3(RYR2):c.3825C>T (p.Gly1275=)

Genes: RYR2 (ryanodine receptor 2; plus strand), LOC126806067 (BRD4-independent group 4 enhancer GRCh37_chr1:237753258-237754457; plus strand). Cytogenetic location: 1q43.
Variant type: single nucleotide variant.
Coding change: c.3825C>T on transcript NM_001035.3 (MANE Select); coding-DNA position 3825, C replaced by T.
Protein change: p.Gly1275=; no amino-acid change (glycine 1275 retained).
Molecular consequence: synonymous variant.
Genome position (GRCh38, 1-based): chr1:237,590,657, C>T. VCF-style: chr1-237590657-C-T. GRCh37 (hg19) VCF-style: chr1-237753957-C-T.
Identifiers: ClinVar variation 3074218 (VCV003074218.1), dbSNP rs772647953, ClinGen allele CA086465.